The following is an entry in ClinVar:

ClinVar aggregate classification (germline): Likely pathogenic (1 of 4 stars; one submission).

Submission:

Dasa
Classification: Likely pathogenic. Last evaluated: 2024-11-08. Review status: criteria provided, single submitter. Criteria: DASA Assertion Criteria. Collection method: clinical testing. Allele origin: germline.
Comment: NM_003052.5(SLC34A1):c.293dup (p.Ala99Argfs*37) is a frameshift variant in SLC34A1 predicted to alter the reading frame and introduce a premature termination codon and is predicted to result in an absent or altered protein product. Loss of function is an established disease mechanism for SLC34A1-associated disorders. Also, this variant is absent from population databases. Based on the currently available evidence, this variant is classified as likely pathogenic.

NM_003052.5(SLC34A1):c.293dup (p.Ala99fs)

Gene: SLC34A1 (solute carrier family 34 member 1; plus strand). Cytogenetic location: 5q35.3.
Variant type: Duplication.
Coding change: c.293dup on transcript NM_003052.5 (MANE Select); coding-DNA position 293, one base duplicated (G; older notation c.293dupG).
Protein change: p.Ala99fs; shifts the reading frame from alanine 99.
Molecular consequence: frameshift variant.
Genome position (GRCh38, 1-based): chr5:177,386,254, G duplicated; the last of 2 consecutive G bases (chr5:177,386,253-177,386,254); duplicating either gives the same sequence. VCF-style (leftmost placement, unchanged base first): chr5-177386252-T-TG. GRCh37 (hg19) VCF-style: chr5-176813253-T-TG.
Other names: c.293dup, p.Ala99fs (NM_001167579.2); short protein forms A99fs.
Identifiers: ClinVar variation 4856973 (VCV004856973.2).